The following is an entry in ClinVar:

NM_144997.7(FLCN):c.1013G>A (p.Trp338Ter)

Gene: FLCN (folliculin; minus strand). Cytogenetic location: 17p11.2.
Variant type: single nucleotide variant.
Coding change: c.1013G>A on transcript NM_144997.7 (MANE Select); coding-DNA position 1013, G replaced by A.
Protein change: p.Trp338Ter; replaces tryptophan 338 with a stop codon.
Molecular consequence: nonsense.
Genome position (GRCh38, 1-based): chr17:17,219,068, C>T on the plus strand (G>A on the coding strand, the complement: FLCN is on the minus strand). VCF-style: chr17-17219068-C-T. GRCh37 (hg19) VCF-style: chr17-17122382-C-T.
Other names: c.1067G>A, p.Trp356Ter (NM_001353229.2); c.1013G>A, p.Trp338Ter (NM_001353230.2, NM_001353231.2); short protein forms W338*, W356*.
Identifiers: ClinVar variation 1974431 (VCV001974431.5), dbSNP rs2544193930, ClinGen allele CA398532766.

ClinVar aggregate classification (germline): Pathogenic (1 of 4 stars; one submission).

Conditions:
Birt-Hogg-Dube syndrome. Also called: Birt Hogg Dubé syndrome. Identifiers: Orphanet 122, MedGen C0346010, MONDO:0800444.

Submission:

Labcorp Genetics (formerly Invitae), Labcorp
Classification: Pathogenic for Birt-Hogg-Dube syndrome. Last evaluated: 2022-06-27. Review status: criteria provided, single submitter. Criteria: Invitae Variant Classification Sherloc (09022015). Collection method: clinical testing. Allele origin: germline.
Comment: This sequence change creates a premature translational stop signal (p.Trp338*) in the FLCN gene. It is expected to result in an absent or disrupted protein product. Loss-of-function variants in FLCN are known to be pathogenic (PMID: 15852235). This variant is not present in population databases (gnomAD no frequency). This variant has not been reported in the literature in individuals affected with FLCN-related conditions. For these reasons, this variant has been classified as Pathogenic.

Literature cited by the submitters: PubMed 15852235.